The following is an entry in ClinVar:

ClinVar aggregate classification (germline): Uncertain significance (1 of 4 stars; one submission).

Allele frequency attached by ClinVar (database versions not stated): ExAC 0.00001.
gnomAD v4.1: 19 of 1,592,104 alleles (0.0012%); highest among the groups gnomAD compares: Middle Eastern, 0.017%; no homozygotes.

Submissions (2):

Labcorp Genetics (formerly Invitae), Labcorp
Classification: Uncertain significance. Last evaluated: 2025-07-30. Review status: criteria provided, single submitter. Criteria: Invitae Variant Classification Sherloc (09022015). Collection method: clinical testing. Allele origin: germline.
Comment: This sequence change affects codon 1256 of the ATR mRNA. It is a 'silent' change, meaning that it does not change the encoded amino acid sequence of the ATR protein. This variant is present in population databases (rs751005278, gnomAD 0.007%). This variant has not been reported in the literature in individuals affected with ATR-related conditions. ClinVar contains an entry for this variant (Variation ID: 1005443). Algorithms developed to predict the effect of sequence changes on RNA splicing suggest that this variant may disrupt the consensus splice site. In summary, the available evidence is currently insufficient to determine the role of this variant in disease. Therefore, it has been classified as a Variant of Uncertain Significance.

Dr. Peter K. Rogan Lab, Western University
No classification provided (evidence only). Condition: Gastric cancer. Review status: no classification provided. Collection method: in vitro. Allele origin: not applicable. Functional consequence: retained intron. Not counted in ClinVar's aggregate classification.

NM_001184.4(ATR):c.3768T>A (p.Pro1256=)

Gene: ATR (ATR checkpoint kinase; minus strand). Cytogenetic location: 3q23.
Variant type: single nucleotide variant.
Coding change: c.3768T>A on transcript NM_001184.4 (MANE Select); coding-DNA position 3768, T replaced by A.
Protein change: p.Pro1256=; no amino-acid change (proline 1256 retained).
Molecular consequence: synonymous variant.
Genome position (GRCh38, 1-based): chr3:142,536,159, A>T on the plus strand (T>A on the coding strand, the complement: ATR is on the minus strand). VCF-style: chr3-142536159-A-T. GRCh37 (hg19) VCF-style: chr3-142255001-A-T.
Other names: c.3576T>A, p.Pro1192= (NM_001354579.2).
Identifiers: ClinVar variation 1005443 (VCV001005443.9), dbSNP rs751005278, ClinGen allele CA2650005.
Genomic context (GRCh38, chr3:142,536,159, plus strand): 5'-ATTAAATACCTTTCTGTATTCCTGGAGAACGGCTTTTATCTTTTTTAATTCTGGATGATC[A>T]GGTAAAAAATATATTTCATGAAGAAAATCTTGCACAGCATCCCTAATAGTTAGTTGGAAT-3'
Protein context (NP_001175.2, residues 1246-1266): QDFLHEIYFL[Pro1256=]DHPELKKIKA